The following is an entry in ClinVar:

NM_002439.5(MSH3):c.3131-4A>C

Gene: MSH3 (mutS homolog 3; plus strand). Cytogenetic location: 5q14.1.
Variant type: single nucleotide variant.
Coding change: c.3131-4A>C on transcript NM_002439.5 (MANE Select); 4 bases into the intron before coding-DNA position 3131, A replaced by C.
Molecular consequence: intron variant.
Genome position (GRCh38, 1-based): chr5:80,873,112, A>C. VCF-style: chr5-80873112-A-C. GRCh37 (hg19) VCF-style: chr5-80168931-A-C.
Other names: c.3131-4A>C (NM_002439.3).
Identifiers: ClinVar variation 1110666 (VCV001110666.11), dbSNP rs1746249437, ClinGen allele CA1558564135.

ClinVar aggregate classification (germline): Conflicting classifications of pathogenicity. Review status: criteria provided, conflicting classifications (1 of 4 stars). 3 submissions from 3 submitters: Uncertain significance (1); Likely benign (2). Last evaluated 2026-10-01.

Conditions:
Familial adenomatous polyposis 4 (FAP4). Also called: MSH3-related attenuated familial adenomatous polyposis. Identifiers: Orphanet 480536, MedGen C4310719, MONDO:0044300, OMIM 617100.
Hereditary cancer-predisposing syndrome. Also called: Neoplastic Syndromes, Hereditary; Hereditary neoplastic syndrome; Tumor predisposition; Hereditary Cancer Syndrome. Identifiers: Orphanet 140162, MedGen C0027672, MeSH D009386, MONDO:0015356.

Submissions (3):

St. Jude Molecular Pathology, St. Jude Children's Research Hospital
Classification: Uncertain significance for Familial adenomatous polyposis 4. Last evaluated: 2026-10-01. Review status: criteria provided, single submitter. Criteria: St. Jude Assertion Criteria 2020. Collection method: clinical testing. Allele origin: germline.
Comment: The MSH3 c.3131-4A>C intronic change results in an A to C substitution at the -4 position of intron 22 of the MSH3 gene. Algorithms that predict the impact of sequence changes on s plicing indicate that this variant likely does not affect splicing but to our knowledge these predictions have not been confirmed by RNA studies. This variant is absent in gnomAD v2.1.1. To our knowledge, this variant has not been reported in individuals with MSH3-associated polyposis syndrome. In summary, the evidence currently available is insufficient to determine the clinical significance of this variant. It has therefore been classified as of uncertain significance.

Labcorp Genetics (formerly Invitae), Labcorp
Classification: Likely benign. Last evaluated: 2023-09-06. Review status: criteria provided, single submitter. Criteria: Invitae Variant Classification Sherloc (09022015). Collection method: clinical testing. Allele origin: germline.

Ambry Genetics
Classification: Likely benign for Hereditary cancer-predisposing syndrome. Last evaluated: 2022-12-16. Review status: criteria provided, single submitter. Criteria: Ambry Variant Classification Scheme 2023. Collection method: clinical testing. Allele origin: germline.